The following is an entry in ClinVar:

NM_000492.4(CFTR):c.2491-55A>G

Gene: CFTR (CF transmembrane conductance regulator; plus strand). Cytogenetic location: 7q31.2.
Variant type: single nucleotide variant.
Coding change: c.2491-55A>G on transcript NM_000492.4 (MANE Select); 55 bases into the intron before coding-DNA position 2491, A replaced by G.
Molecular consequence: intron variant.
Genome position (GRCh38, 1-based): chr7:117,594,875, A>G. VCF-style: chr7-117594875-A-G. GRCh37 (hg19) VCF-style: chr7-117234929-A-G.
Identifiers: ClinVar variation 4279998 (VCV004279998.1).

ClinVar aggregate classification (germline): Likely benign (1 of 4 stars; one submission).

Conditions:
Cystic fibrosis (CF). Also called: MUCOVISCIDOSIS. Identifiers: Orphanet 586, MedGen C0010674, MONDO:0009061, OMIM 219700. Disease mechanism: loss of function.

Submission:

Johns Hopkins Genomics, Johns Hopkins University
Classification: Likely benign for Cystic fibrosis. Last evaluated: 2024-05-08. Review status: criteria provided, single submitter. Criteria: ACMG Guidelines, 2015. Collection method: clinical testing. Allele origin: germline.
Comment: PM2, PM3, PP4, BP2, BP4, BP7